The following is an entry in ClinVar:

NM_138691.3(TMC1):c.1405-1G>C

Gene: TMC1 (transmembrane channel like 1; plus strand). Cytogenetic location: 9q21.13.
Variant type: single nucleotide variant.
Coding change: c.1405-1G>C on transcript NM_138691.3 (MANE Select); the canonical splice acceptor site of the intron before coding-DNA position 1405, G replaced by C.
Molecular consequence: splice acceptor variant.
Genome position (GRCh38, 1-based): chr9:72,792,190, G>C. VCF-style: chr9-72792190-G-C. GRCh37 (hg19) VCF-style: chr9-75407106-G-C.
Identifiers: ClinVar variation 2783204 (VCV002783204.3), dbSNP rs2489926873, ClinGen allele CA373506790.

ClinVar aggregate classification (germline): Likely pathogenic (1 of 4 stars; one submission).

Allele frequency attached by ClinVar (database versions not stated): gnomAD exomes below 0.00001.
gnomAD v4.1: 1 of 1,614,046 alleles (0.000062%); highest among the groups gnomAD compares: Admixed American, 0.0017%; no homozygotes.

Submission:

Labcorp Genetics (formerly Invitae), Labcorp
Classification: Likely pathogenic. Last evaluated: 2023-01-21. Review status: criteria provided, single submitter. Criteria: Invitae Variant Classification Sherloc (09022015). Collection method: clinical testing. Allele origin: germline.
Comment: This variant is not present in population databases (gnomAD no frequency). This variant has not been reported in the literature in individuals affected with TMC1-related conditions. This sequence change affects an acceptor splice site in intron 16 of the TMC1 gene. It is expected to disrupt RNA splicing. Variants that disrupt the donor or acceptor splice site typically lead to a loss of protein function (PMID: 16199547), and loss-of-function variants in TMC1 are known to be pathogenic (PMID: 11850618, 22105175). Algorithms developed to predict the effect of sequence changes on RNA splicing suggest that this variant may disrupt the consensus splice site. In summary, the currently available evidence indicates that the variant is pathogenic, but additional data are needed to prove that conclusively. Therefore, this variant has been classified as Likely Pathogenic.

Literature cited by the submitters: PubMed 16199547; PubMed 11850618; PubMed 22105175.